The following is an entry in ClinVar:

ClinVar aggregate classification (germline): Pathogenic. Review status: criteria provided, multiple submitters, no conflicts (2 of 4 stars). 4 submissions from 4 submitters: Pathogenic (4). Last evaluated 2026-08-18.

Conditions:
KBG syndrome (KBGS). Also called: ANKRD11-Related KBG Syndrome. Identifiers: Orphanet 2332, MedGen C0220687, MONDO:0007846, OMIM 148050.

Submissions (4):

Medical Genetics Center, Maternal and Child Health Hospital of Hubei Province
Classification: Pathogenic for KBG syndrome. Last evaluated: 2026-08-18. Review status: criteria provided, single submitter. Criteria: ACMG Guidelines, 2015. Collection method: clinical testing. Allele origin: de novo. Affected: yes.
Comment: PVS1+PS2+PM2_Supporting

GeneDx
Classification: Pathogenic. Last evaluated: 2025-01-14. Review status: criteria provided, single submitter. Criteria: GeneDx Variant Classification Process June 2021. Collection method: clinical testing. Allele origin: germline. Affected: yes.
Comment: Frameshift variant predicted to result in protein truncation or nonsense mediated decay in a gene for which loss-of-function is a known mechanism of disease; Not observed at significant frequency in large population cohorts (gnomAD); This variant is associated with the following publications: (PMID: 27535533, 34971082, 27605097)

Labcorp Genetics (formerly Invitae), Labcorp
Classification: Pathogenic for KBG syndrome. Last evaluated: 2018-07-15. Review status: criteria provided, single submitter. Criteria: Invitae Variant Classification Sherloc (09022015). Collection method: clinical testing. Allele origin: germline.
Comment: This sequence change creates a premature translational stop signal (p.His1066Glnfs*35) in the ANKRD11 gene. It is expected to result in an absent or disrupted protein product. This variant is not present in population databases (ExAC no frequency). This variant has been observed in an individual affected with KBG syndrome (PMID: 27605097). Loss-of-function variants in ANKRD11 are known to be pathogenic (PMID: 21782149, 25413698). For these reasons, this variant has been classified as Pathogenic.

Cytogénomique, Hospices Civils de Lyon
Classification: Pathogenic for KBG syndrome. Last evaluated: 2017-11-06. Review status: criteria provided, single submitter. Criteria: ACMG Guidelines, 2015. Collection method: clinical testing. Allele origin: de novo. Inheritance: Autosomal dominant inheritance. Affected: yes.

Literature cited by the submitters: PubMed 35174959 (cited by Medical Genetics Center, Maternal and Child Health Hospital of Hubei Province); PubMed 33955014 (cited by Medical Genetics Center, Maternal and Child Health Hospital of Hubei Province); PubMed 25413698 (cited by Medical Genetics Center, Maternal and Child Health Hospital of Hubei Province); PubMed 21782149 (cited by Medical Genetics Center, Maternal and Child Health Hospital of Hubei Province); PubMed 27605097 (cited by Medical Genetics Center, Maternal and Child Health Hospital of Hubei Province and Labcorp Genetics (formerly Invitae), Labcorp).

NM_013275.6(ANKRD11):c.3198_3199del (p.His1066fs)

Gene: ANKRD11 (ankyrin repeat domain 11; minus strand). Cytogenetic location: 16q24.3.
Variant type: Deletion.
Coding change: c.3198_3199del on transcript NM_013275.6 (MANE Select); coding-DNA positions 3198 to 3199, 2 bases deleted (TA; older notation c.3198_3199delTA).
Protein change: p.His1066fs; shifts the reading frame from histidine 1066.
Molecular consequence: frameshift variant.
Genome position (GRCh38, 1-based): chr16:89,283,343-89,283,344, TA deleted on the plus strand (TA on the coding strand, the reverse complement: ANKRD11 is on the minus strand); deleting any 2 consecutive bases within chr16:89,283,343-89,283,345 gives the same sequence; the c. name uses the placement nearest the transcript's 3' end. VCF-style (leftmost placement, unchanged base first): chr16-89283342-TTA-T. GRCh37 (hg19) VCF-style: chr16-89349750-TTA-T.
Other names: c.3198_3199del, p.His1066fs (NM_001256182.2, NM_001256183.2); c.3198_3199delTA (NM_013275.5); c.3198_3199del (NM_013275.5); short protein forms H1066fs.
Identifiers: ClinVar variation 619978 (VCV000619978.4), dbSNP rs1567574291, ClinGen allele CA913190677.
Genomic context (GRCh38, chr16:89,283,342, plus strand): 5'-TTCTTCTCTTTCCCTTGGTCGAGAGACGCTTTCCTTTCTTTGTCTTTGCCATGTGTGTCT[TTA>T]TGTTTTTCCTTGGTATCTTTTTTCTCTTTAAAACATTTATCAAATTCTTTGTCCTTCTGA-3'